The following is an entry in ClinVar:

NM_182978.4(GNAL):c.1249G>A (p.Gly417Ser)

Gene: GNAL (G protein subunit alpha L; plus strand). Cytogenetic location: 18p11.21.
Variant type: single nucleotide variant.
Coding change: c.1249G>A on transcript NM_182978.4 (MANE Select); coding-DNA position 1249, G replaced by A.
Protein change: p.Gly417Ser; replaces glycine 417 with serine.
Molecular consequence: missense variant.
Genome position (GRCh38, 1-based): chr18:11,881,007, G>A. VCF-style: chr18-11881007-G-A. GRCh37 (hg19) VCF-style: chr18-11881006-G-A.
Other names: c.1018G>A, p.Gly340Ser (NM_001142339.3, NM_001261443.2, NM_001369387.1); c.397G>A, p.Gly133Ser (NM_001261444.2); short protein forms G340S, G417S, G133S.
Identifiers: ClinVar variation 455977 (VCV000455977.10), dbSNP rs142792291, ClinGen allele CA8894263.

ClinVar aggregate classification (germline): Uncertain significance. Review status: criteria provided, multiple submitters, no conflicts (2 of 4 stars). 3 submissions from 3 submitters: Uncertain significance (3). Last evaluated 2024-06-17.

Conditions:
Dystonic disorder. Also called: Dystonia. Identifiers: MedGen C0013421, MONDO:0003441, HP:0001332.

Allele frequency attached by ClinVar (database versions not stated): ExAC 0.00002; gnomAD 0.00005 and 0.00006; TOPMed 0.00007; ESP Exome Variant Server 0.00015.
gnomAD v4.1: 125 of 1,613,908 alleles (0.0077%); highest among the groups gnomAD compares: Non-Finnish European, 0.01%; no homozygotes.

Submissions (3):

Labcorp Genetics (formerly Invitae), Labcorp
Classification: Uncertain significance for Dystonic disorder. Last evaluated: 2024-06-17. Review status: criteria provided, single submitter. Criteria: Invitae Variant Classification Sherloc (09022015). Collection method: clinical testing. Allele origin: germline.
Comment: This sequence change replaces glycine, which is neutral and non-polar, with serine, which is neutral and polar, at codon 340 of the GNAL protein (p.Gly340Ser). This variant is present in population databases (rs142792291, gnomAD 0.008%). This missense change has been observed in individuals with cervical dystonia (PMID: 27123488). ClinVar contains an entry for this variant (Variation ID: 455977). An algorithm developed to predict the effect of missense changes on protein structure and function (PolyPhen-2) suggests that this variant is likely to be disruptive. In summary, the available evidence is currently insufficient to determine the role of this variant in disease. Therefore, it has been classified as a Variant of Uncertain Significance.

GeneDx
Classification: Uncertain significance. Last evaluated: 2023-04-14. Review status: criteria provided, single submitter. Criteria: GeneDx Variant Classification Process June 2021. Collection method: clinical testing. Allele origin: germline. Affected: yes.
Comment: Reported in the heterozygous state in an individual with cervical dystonia (LeDoux et al., 2016); In silico analysis supports that this missense variant has a deleterious effect on protein structure/function; This variant is associated with the following publications: (PMID: 32579932, 27123488)

Breakthrough Genomics
Classification: Uncertain significance. Review status: criteria provided, single submitter. Criteria: ACMG Guidelines, 2015. Collection method: not provided. Allele origin: germline. Inheritance: Autosomal dominant inheritance. Affected: yes.

Literature cited by the submitters: PubMed 27123488 (cited by Labcorp Genetics (formerly Invitae), Labcorp).